The following is an entry in ClinVar:

NM_004859.4(CLTC):c.2796+4A>G

Gene: CLTC (clathrin heavy chain; plus strand). Cytogenetic location: 17q23.1.
Variant type: single nucleotide variant.
Coding change: c.2796+4A>G on transcript NM_004859.4 (MANE Select); 4 bases into the intron after coding-DNA position 2796, A replaced by G.
Molecular consequence: intron variant.
Genome position (GRCh38, 1-based): chr17:59,677,192, A>G. VCF-style: chr17-59677192-A-G. GRCh37 (hg19) VCF-style: chr17-57754553-A-G.
Other names: c.2808+4A>G (NM_001288653.2).
Identifiers: ClinVar variation 3692152 (VCV003692152.2).

ClinVar aggregate classification (germline): Uncertain significance (1 of 4 stars; one submission).

gnomAD v4.1: 3 of 1,600,344 alleles (0.00019%); highest among the groups gnomAD compares: Non-Finnish European, 0.00017%; no homozygotes.

Submission:

Labcorp Genetics (formerly Invitae), Labcorp
Classification: Uncertain significance. Last evaluated: 2025-10-02. Review status: criteria provided, single submitter. Criteria: Invitae Variant Classification Sherloc (09022015). Collection method: clinical testing. Allele origin: germline.
Comment: This sequence change falls in intron 17 of the CLTC gene. It does not directly change the encoded amino acid sequence of the CLTC protein. It affects a nucleotide within the consensus splice site. This variant is present in population databases (rs779888012, gnomAD 0.0009%). This variant has not been reported in the literature in individuals affected with CLTC-related conditions. ClinVar contains an entry for this variant (Variation ID: 3692152). Variants that disrupt the consensus splice site are a relatively common cause of aberrant splicing (PMID: 17576681, 9536098). Algorithms developed to predict the effect of sequence changes on RNA splicing suggest that this variant may disrupt the consensus splice site. In summary, the available evidence is currently insufficient to determine the role of this variant in disease. Therefore, it has been classified as a Variant of Uncertain Significance.

Literature cited by the submitters: PubMed 17576681; PubMed 9536098.